The following is an entry in ClinVar:

ClinVar aggregate classification (germline): Uncertain significance (1 of 4 stars; one submission).

gnomAD v4.1: 4 of 1,600,206 alleles (0.00025%); highest among the groups gnomAD compares: Non-Finnish European, 0.00034%; no homozygotes.

Submission:

GeneDx
Classification: Uncertain significance. Last evaluated: 2025-07-31. Review status: criteria provided, single submitter. Criteria: GeneDx Variant Classification Process June 2021. Collection method: clinical testing. Allele origin: germline. Affected: yes.
Comment: Not observed at significant frequency in large population cohorts (gnomAD); Has not been previously published as pathogenic or benign to our knowledge; In silico analysis is inconclusive as to whether the variant alters gene splicing. In the absence of RNA/functional studies, the actual effect of this sequence change is unknown.

NM_014946.4(SPAST):c.1173+5G>T

Gene: SPAST (spastin; plus strand). Cytogenetic location: 2p22.3.
Variant type: single nucleotide variant.
Coding change: c.1173+5G>T on transcript NM_014946.4 (MANE Select); 5 bases into the intron after coding-DNA position 1173, G replaced by T.
Molecular consequence: intron variant.
Genome position (GRCh38, 1-based): chr2:32,127,027, G>T. VCF-style: chr2-32127027-G-T. GRCh37 (hg19) VCF-style: chr2-32352096-G-T.
Other names: c.1077+5G>T (NM_199436.2, NM_001377959.1); c.1170+5G>T (NM_001363823.2); c.1074+5G>T (NM_001363875.2).
Identifiers: ClinVar variation 4690028 (VCV004690028.1).